The following is an entry in ClinVar:

ClinVar aggregate classification (germline): Uncertain significance (1 of 4 stars; one submission).

Conditions:
POLD1-related polyposis and colorectal cancer syndrome (CRCS10). Also called: Colorectal cancer 10; COLORECTAL CANCER, SUSCEPTIBILITY TO, ON CHROMOSOME 19q; Colorectal cancer, susceptibility to, 10. Identifiers: Orphanet 220460, MedGen C2675481, MONDO:0012953, OMIM 612591.

Submission:

Labcorp Genetics (formerly Invitae), Labcorp
Classification: Uncertain significance for POLD1-related polyposis and colorectal cancer syndrome. Last evaluated: 2022-08-23. Review status: criteria provided, single submitter. Criteria: Invitae Variant Classification Sherloc (09022015). Collection method: clinical testing. Allele origin: germline.
Comment: In summary, the available evidence is currently insufficient to determine the role of this variant in disease. Therefore, it has been classified as a Variant of Uncertain Significance. Algorithms developed to predict the effect of missense changes on protein structure and function are either unavailable or do not agree on the potential impact of this missense change (SIFT: "Deleterious"; PolyPhen-2: "Probably Damaging"; Align-GVGD: "Class C0"). This variant has not been reported in the literature in individuals affected with POLD1-related conditions. ClinVar contains an entry for this variant (Variation ID: 941244). This sequence change replaces serine, which is neutral and polar, with isoleucine, which is neutral and non-polar, at codon 492 of the POLD1 protein (p.Ser492Ile). This variant is not present in population databases (gnomAD no frequency).

NM_002691.4(POLD1):c.1475G>T (p.Ser492Ile)

Gene: POLD1 (DNA polymerase delta 1, catalytic subunit; plus strand). Cytogenetic location: 19q13.33.
Variant type: single nucleotide variant.
Coding change: c.1475G>T on transcript NM_002691.4 (MANE Select); coding-DNA position 1475, G replaced by T.
Protein change: p.Ser492Ile; replaces serine 492 with isoleucine.
Molecular consequence: missense variant. On other transcripts: non-coding transcript variant (1).
Genome position (GRCh38, 1-based): chr19:50,406,498, G>T. VCF-style: chr19-50406498-G-T. GRCh37 (hg19) VCF-style: chr19-50909755-G-T.
Other names: c.1475G>T, p.Ser492Ile (NM_001256849.1, NM_001308632.1); short protein forms S492I.
Identifiers: ClinVar variation 941244 (VCV000941244.9), dbSNP rs2038889952, ClinGen allele CA406980289.